The following is an entry in ClinVar:

NM_020822.3(KCNT1):c.1402-8C>T

Gene: KCNT1 (potassium sodium-activated channel subfamily T member 1; plus strand). Cytogenetic location: 9q34.3.
Variant type: single nucleotide variant.
Coding change: c.1402-8C>T on transcript NM_020822.3 (MANE Select); 8 bases into the intron before coding-DNA position 1402, C replaced by T.
Molecular consequence: intron variant.
Genome position (GRCh38, 1-based): chr9:135,768,821, C>T. VCF-style: chr9-135768821-C-T. GRCh37 (hg19) VCF-style: chr9-138660667-C-T.
Other names: c.1267-8C>T (NM_001272003.2).
Identifiers: ClinVar variation 931399 (VCV000931399.8), dbSNP rs1303785635, ClinGen allele CA591364787.

ClinVar aggregate classification (germline): Conflicting classifications of pathogenicity. Review status: criteria provided, conflicting classifications (1 of 4 stars). 2 submissions from 2 submitters: Uncertain significance (1); Likely benign (1). Last evaluated 2025-08-21.

Conditions:
Autosomal dominant nocturnal frontal lobe epilepsy 5. Also called: KCNT1-Related Epilepsy; CILIARY DYSKINESIA, PRIMARY, 28, WITHOUT SITUS INVERSUS; CILIARY DYSKINESIA, PRIMARY, 28, WITH SITUS INVERSUS; Epilepsy, nocturnal frontal lobe, 5. Identifiers: Orphanet 98784, MedGen C3554306, MONDO:0014002, OMIM 615005.
Developmental and epileptic encephalopathy, 14 (DEE14). Also called: Early infantile epileptic encephalopathy 14. Identifiers: Orphanet 293181, MedGen C3554195, MONDO:0013989, OMIM 614959.

Allele frequency attached by ClinVar (database versions not stated): TOPMed below 0.00001; gnomAD 0.00001; gnomAD exomes below 0.00001.
gnomAD v4.1: 5 of 1,607,516 alleles (0.00031%); highest among the groups gnomAD compares: Non-Finnish European, 0.00034%; no homozygotes.

Submissions (2):

Labcorp Genetics (formerly Invitae), Labcorp
Classification: Likely benign for Autosomal dominant nocturnal frontal lobe epilepsy 5; Developmental and epileptic encephalopathy, 14. Last evaluated: 2025-08-21. Review status: criteria provided, single submitter. Criteria: Invitae Variant Classification Sherloc (09022015). Collection method: clinical testing. Allele origin: germline.

Centre for Mendelian Genomics, University Medical Centre Ljubljana
Classification: Uncertain significance for Autosomal dominant nocturnal frontal lobe epilepsy 5. Last evaluated: 2019-03-27. Review status: criteria provided, single submitter. Criteria: ACMG Guidelines, 2015. Collection method: clinical testing. Allele origin: unknown. Affected: yes.
Comment: This variant was classified as: Uncertain significance. The available evidence on this variant's pathogenicity is insufficient or conflicting. The following ACMG criteria were applied in classifying this variant: No criteria apply.